The following is an entry in ClinVar:

NM_000059.4(BRCA2):c.5739T>A (p.Cys1913Ter)

Gene: BRCA2 (BRCA2 DNA repair associated; plus strand). Cytogenetic location: 13q13.1.
Variant type: single nucleotide variant.
Coding change: c.5739T>A on transcript NM_000059.4 (MANE Select); coding-DNA position 5739, T replaced by A.
Protein change: p.Cys1913Ter; replaces cysteine 1913 with a stop codon.
Molecular consequence: nonsense.
Genome position (GRCh38, 1-based): chr13:32,340,094, T>A. VCF-style: chr13-32340094-T-A. GRCh37 (hg19) VCF-style: chr13-32914231-T-A.
Other names: short protein forms C1913*.
Identifiers: ClinVar variation 51924 (VCV000051924.4), dbSNP rs397507801, ClinGen allele CA023111.

ClinVar aggregate classification (germline): Pathogenic (3 of 4 stars; one submission).

Conditions:
Breast-ovarian cancer, familial, susceptibility to, 2 (BROVCA2). Also called: BRCA2 Hereditary Breast and Ovarian Cancer. Identifiers: Orphanet 145, MedGen C2675520, MONDO:0012933, OMIM 612555. Disease mechanism: loss of function.

Submission:

Evidence-based Network for the Interpretation of Germline Mutant Alleles (ENIGMA)
Classification: Pathogenic for Breast-ovarian cancer, familial, susceptibility to, 2. Last evaluated: 2016-09-08. Review status: reviewed by expert panel. Criteria: ENIGMA BRCA1/2 Classification Criteria (2015). Collection method: curation. Allele origin: germline.
Comment: Variant allele predicted to encode a truncated non-functional protein.